The following is an entry in ClinVar:

ClinVar aggregate classification (germline): Pathogenic (1 of 4 stars; one submission).

Submission:

Labcorp Genetics (formerly Invitae), Labcorp
Classification: Pathogenic. Last evaluated: 2019-08-23. Review status: criteria provided, single submitter. Criteria: Invitae Variant Classification Sherloc (09022015). Collection method: clinical testing. Allele origin: germline.
Comment: This variant disrupts the C-terminus of the NSD1 protein. Other variant(s) that disrupt this region (p.Glu2564*) have been determined to be pathogenic (Invitae). This suggests that variants that disrupt this region of the protein are likely to be causative of disease. This variant has not been reported in the literature in individuals with NSD1-related conditions. This variant is not present in population databases (ExAC no frequency). This sequence change results in a premature translational stop signal in the NSD1 gene (p.Gln2163Leufs*10). While this is not anticipated to result in nonsense mediated decay, it is expected to disrupt the last 534 amino acids of the NSD1 protein. For these reasons, this variant has been classified as Pathogenic.

NM_022455.5(NSD1):c.6488_6498del (p.Gln2163fs)

Gene: NSD1 (nuclear receptor binding SET domain protein 1; plus strand). Cytogenetic location: 5q35.3.
Variant type: Deletion.
Coding change: c.6488_6498del on transcript NM_022455.5 (MANE Select); coding-DNA positions 6488 to 6498, 11 bases deleted (AGTGTGACATC).
Protein change: p.Gln2163fs; shifts the reading frame from glutamine 2163.
Molecular consequence: frameshift variant.
Genome position (GRCh38, 1-based): chr5:177,293,856-177,293,866, AGTGTGACATC deleted; deleting any 11 consecutive bases within chr5:177,293,852-177,293,866 gives the same sequence; the c. name uses the placement nearest the transcript's 3' end. VCF-style (leftmost placement, unchanged base first): chr5-177293851-GCATCAGTGTGA-G. GRCh37 (hg19) VCF-style: chr5-176720852-GCATCAGTGTGA-G.
Other names: c.5615_5625delAGTGTGACATC, p.Gln1872Leufs (NM_001365684.2, NM_001409308.1, NM_172349.5); c.6488_6498delAGTGTGACATC, p.Gln2163Leufs (NM_001409301.1, NM_001409302.1, NM_001409303.1 and 1 more transcripts); c.6068_6078delAGTGTGACATC, p.Gln2023Leufs (NM_001409304.1); c.5735_5745delAGTGTGACATC, p.Gln1912Leufs (NM_001409305.1); c.5726_5736delAGTGTGACATC, p.Gln1909Leufs (NM_001409306.1, NM_001409307.1); c.5366_5376delAGTGTGACATC, p.Gln1789Leufs (NM_001409309.1); short protein forms Q1894fs, Q2163fs.
Identifiers: ClinVar variation 942395 (VCV000942395.10), dbSNP rs1760057409, ClinGen allele CA1139659263.